The following is an entry in ClinVar:

ClinVar aggregate classification (germline): Likely pathogenic. Review status: reviewed by expert panel (3 of 4 stars). 5 submissions from 5 submitters: Likely pathogenic (1). 4 of the submissions do not count toward it. Last evaluated 2026-01-20.

Conditions:
Glanzmann thrombasthenia 2. Also called: BLEEDING DISORDER, PLATELET-TYPE, 23. Identifiers: MedGen C5543273, MONDO:0031009, OMIM 619267.
Bleeding disorder, platelet-type, 24. Also called: GLANZMANN THROMBASTHENIA-LIKE WITH MACROTHROMBOCYTOPENIA 2. Identifiers: MedGen C5543280, MONDO:0030996, OMIM 619271.
Myocardial infarction, susceptibility to. Identifiers: MedGen C1832662, MONDO:0012039, OMIM 608446.
Glanzmann thrombasthenia. Also called: THROMBASTHENIA OF GLANZMANN AND NAEGELI; Thrombasthenia; Glanzmann's thrombasthenia; PLATELET GLYCOPROTEIN IIb-IIIa DEFICIENCY. Identifiers: Orphanet 849, MedGen C0040015, MONDO:0100326.

Submissions (5):

ClinGen Platelet Disorders Variant Curation Expert Panel, ClinGen
Classification: Likely pathogenic for Glanzmann thrombasthenia. Last evaluated: 2026-01-20. Review status: reviewed by expert panel. Criteria: ClinGen Platelet ACMG Specifications v2-1. Collection method: curation. Allele origin: germline. Inheritance: Autosomal recessive inheritance.
Comment: The NM_000212.3(ITGB3):c.1913+5G>T splice region variant in the exon11/intron 11 boundary has been seen in at least 9 probands from PMIDs: 22190468, 14629479, 34066320, 32237906, 29675921 and 1 unpublished individual from internal laboratory data. GT 36 (PMID: 29675921) has mucocutaneous bleeding and impaired aggregation with all agonists except ristocetin, which is highly specific for Glanzmann thrombasthenia. Additionally, αIIbβ3 surface expression was reduced to <5%, as measured by flow cytometry (PP4_strong). The highest population minor allele frequency in gnomAD v4.1 is 0.0002005 (9/44882 alleles) in the East Asian genetic ancestry group. This intermediate allele frequency is lower than the ClinGen PD VCEP threshold (>0.00158) for BS1 but higher than the threshold (<0.0001) for PM2_Supporting. SpliceAI predicts (score 0.95; PP3) that the wild-type donor splice site is broken and a new donor site is gained 33bp downstream (score 0.37). Sequence analyses revealed that the addition of 38bp to exon 10 due to the use of a cryptic splice site in the downstream intron and an appearance of a stop codon (TGA) in the inserted region just behind exon 10 (PM4). Experimental evidence in COS7 cells shows lack of surface expression of the GPIIb-IIIa complex (PMID: 14629479; PS3_moderate). In summary, this variant meets the criteria to be classified as Likely Pathogenic for autosomal recessive Glanzmann Thrombasthenia based on the ACMG/AMP criteria applied, as specified by the ClinGen PD VCEP: PP4_strong, PP3, PM4, PS3_moderate. (VCEP specifications version 2).

3billion
Classification: Pathogenic for Glanzmann thrombasthenia 2. Last evaluated: 2025-03-10. Review status: criteria provided, single submitter. Criteria: ACMG Guidelines, 2015. Collection method: clinical testing. Allele origin: germline. Affected: yes. Not counted in ClinVar's aggregate classification.

Fulgent Genetics
Classification: Likely pathogenic for Myocardial infarction, susceptibility to; Glanzmann thrombasthenia 2; Bleeding disorder, platelet-type, 24. Last evaluated: 2024-04-22. Review status: criteria provided, single submitter. Criteria: ACMG Guidelines, 2015. Collection method: clinical testing. Allele origin: germline. Not counted in ClinVar's aggregate classification.

GeneDx
Classification: Pathogenic. Last evaluated: 2024-04-19. Review status: criteria provided, single submitter. Criteria: GeneDx Variant Classification Process June 2021. Collection method: clinical testing. Allele origin: germline. Affected: yes. Not counted in ClinVar's aggregate classification.
Comment: RNA analysis and in-vitro assays of this variant demonstrate the downstream utilization of a cryptic donor site with the addition of 38 base pairs and a premature stop codon at the end of exon 10 (PMID: 14629479); Intronic variant directly or indirectly altering the +5 splice site in a gene for which loss of function is a known mechanism of disease, and splice predictors support a deleterious effect; This variant is associated with the following publications: (PMID: 22190468, 29675921, 32237906, 14629479, 34066320)

Labcorp Genetics (formerly Invitae), Labcorp
Classification: Pathogenic. Last evaluated: 2023-12-17. Review status: criteria provided, single submitter. Criteria: Invitae Variant Classification Sherloc (09022015). Collection method: clinical testing. Allele origin: germline. Not counted in ClinVar's aggregate classification.
Comment: This sequence change falls in intron 11 of the ITGB3 gene. It does not directly change the encoded amino acid sequence of the ITGB3 protein. RNA analysis indicates that this variant induces altered splicing and may result in an absent or disrupted protein product. This variant is present in population databases (rs764779088, gnomAD 0.02%). This variant has been observed in individuals with autosomal recessive Glanzmann thrombasthenia (PMID: 14629479, 32237906, 34066320). It has also been observed to segregate with disease in related individuals. This variant is also known as G>T at position 29107 of intron 10. ClinVar contains an entry for this variant (Variation ID: 953041). Algorithms developed to predict the effect of variants on protein structure and function are not available or were not evaluated for this variant. Experimental studies have shown that this variant affects ITGB3 function (PMID: 14629479). Variants that disrupt the consensus splice site are a relatively common cause of aberrant splicing (PMID: 17576681, 9536098). Studies have shown that this variant results in retention of part of intron 11 and introduces a premature termination codon (PMID: 14629479). The resulting mRNA is expected to undergo nonsense-mediated decay. For these reasons, this variant has been classified as Pathogenic.

Literature cited by the submitters: PubMed 14629479 (cited by 3billion and Labcorp Genetics (formerly Invitae), Labcorp); PubMed 32237906 (cited by Labcorp Genetics (formerly Invitae), Labcorp); PubMed 34066320 (cited by Labcorp Genetics (formerly Invitae), Labcorp); PubMed 17576681 (cited by Labcorp Genetics (formerly Invitae), Labcorp); PubMed 9536098 (cited by Labcorp Genetics (formerly Invitae), Labcorp).

NM_000212.3(ITGB3):c.1913+5G>T

Gene: ITGB3 (integrin subunit beta 3; plus strand). Cytogenetic location: 17q21.32.
Variant type: single nucleotide variant.
Coding change: c.1913+5G>T on transcript NM_000212.3 (MANE Select); 5 bases into the intron after coding-DNA position 1913, G replaced by T.
Molecular consequence: intron variant.
Genome position (GRCh38, 1-based): chr17:47,299,535, G>T. VCF-style: chr17-47299535-G-T. GRCh37 (hg19) VCF-style: chr17-45376901-G-T.
Identifiers: ClinVar variation 953041 (VCV000953041.11), dbSNP rs764779088, ClinGen allele CA8623377.